The following is an entry in ClinVar:

NC_000013.11:g.32332927_32332929delinsTTCC

Gene: BRCA2 (BRCA2 DNA repair associated; plus strand). Cytogenetic location: 13q13.1.
Variant type: Indel.
Genome position: GRCh38 VCF-style: chr13-32332927-AGT-TTCC. GRCh37 (hg19) VCF-style: chr13-32907064-AGT-TTCC.
Other names: 1675delAGTinsTTCC; c.1449_1451delinsTTCC, p.Val484fs (LRG_293t1).
Identifiers: ClinVar variation 266636 (VCV000266636.5), dbSNP rs397507589, ClinGen allele CA10589095.

ClinVar aggregate classification (germline): Pathogenic. Review status: reviewed by expert panel (3 of 4 stars). 2 submissions from 2 submitters: Pathogenic (1). 1 of the submissions does not count toward it. Last evaluated 2016-10-18.

Conditions:
Breast-ovarian cancer, familial, susceptibility to, 2 (BROVCA2). Also called: BRCA2 Hereditary Breast and Ovarian Cancer. Identifiers: Orphanet 145, MedGen C2675520, MONDO:0012933, OMIM 612555. Disease mechanism: loss of function.

Submissions (2):

Evidence-based Network for the Interpretation of Germline Mutant Alleles (ENIGMA)
Classification: Pathogenic for Breast-ovarian cancer, familial, susceptibility to, 2. Last evaluated: 2016-10-18. Review status: reviewed by expert panel. Criteria: ENIGMA BRCA1/2 Classification Criteria (2015). Collection method: curation. Allele origin: germline.
Comment: Variant allele predicted to encode a truncated non-functional protein.

Consortium of Investigators of Modifiers of BRCA1/2 (CIMBA), c/o University of Cambridge
Classification: Pathogenic for Breast-ovarian cancer, familial, susceptibility to, 2. Last evaluated: 2015-10-02. Review status: criteria provided, single submitter. Criteria: CIMBA Mutation Classification guidelines May 2016. Collection method: clinical testing. Allele origin: germline. Not counted in ClinVar's aggregate classification.